The following is an entry in ClinVar:

NM_001365951.3(KIF1B):c.2281T>G (p.Ser761Ala)

Gene: KIF1B (kinesin family member 1B; plus strand). Cytogenetic location: 1p36.22.
Variant type: single nucleotide variant.
Coding change: c.2281T>G on transcript NM_001365951.3 (MANE Select); coding-DNA position 2281, T replaced by G.
Protein change: p.Ser761Ala; replaces serine 761 with alanine.
Molecular consequence: missense variant.
Genome position (GRCh38, 1-based): chr1:10,321,780, T>G. VCF-style: chr1-10321780-T-G. GRCh37 (hg19) VCF-style: chr1-10381838-T-G.
Other names: c.2281T>G, p.Ser761Ala (NM_001365952.1); c.2143T>G, p.Ser715Ala (NM_015074.3); short protein forms S715A, S761A.
Identifiers: ClinVar variation 848346 (VCV000848346.13), dbSNP rs1651532692, ClinGen allele CA338332871.
Genomic context (GRCh38, chr1:10,321,780, plus strand): 5'-CAGCATGAATTTGAGTTGGCCCAATGGGCCTTCCGGAAATGGAAGTCTCATCAGTTTACT[T>G]CATTACGGGACTTACTCTGGGGCAATGCCGTGTACCTAAAGGAGGCCAATGCCATCAGTG-3'
Protein context (NP_001352880.1, residues 751-771): FRKWKSHQFT[Ser761Ala]LRDLLWGNAV

ClinVar aggregate classification (germline): Uncertain significance. Review status: criteria provided, multiple submitters, no conflicts (2 of 4 stars). 2 submissions from 2 submitters: Uncertain significance (2). Last evaluated 2024-08-22.

Conditions:
Charcot-Marie-Tooth disease type 2. Also called: Charcot-Marie-Tooth type 2. Identifiers: Orphanet 64746, MedGen C0270914, MONDO:0018993.

Submissions (2):

Ambry Genetics
Classification: Uncertain significance. Last evaluated: 2024-08-22. Review status: criteria provided, single submitter. Criteria: Ambry Variant Classification Scheme 2023. Collection method: clinical testing. Allele origin: germline.
Comment: The p.S715A variant (also known as c.2143T>G), located in coding exon 21 of the KIF1B gene, results from a T to G substitution at nucleotide position 2143. The serine at codon 715 is replaced by alanine, an amino acid with similar properties. This amino acid position is conserved. In addition, the in silico prediction for this alteration is inconclusive. Since supporting evidence is limited at this time, the clinical significance of this alteration remains unclear.

Labcorp Genetics (formerly Invitae), Labcorp
Classification: Uncertain significance for Charcot-Marie-Tooth disease type 2. Last evaluated: 2019-12-15. Review status: criteria provided, single submitter. Criteria: Invitae Variant Classification Sherloc (09022015). Collection method: clinical testing. Allele origin: germline.
Comment: In summary, the available evidence is currently insufficient to determine the role of this variant in disease. Therefore, it has been classified as a Variant of Uncertain Significance. This variant has not been reported in the literature in individuals with KIF1B-related conditions. Algorithms developed to predict the effect of missense changes on protein structure and function are either unavailable or do not agree on the potential impact of this missense change (SIFT: "Tolerated"; PolyPhen-2: "Possibly Damaging"; Align-GVGD: "Class C0"). This sequence change replaces serine with alanine at codon 715 of the KIF1B protein (p.Ser715Ala). The serine residue is highly conserved and there is a moderate physicochemical difference between serine and alanine. This variant is not present in population databases (ExAC no frequency).